The following is an entry in ClinVar:

NM_006912.6(RIT1):c.248C>T (p.Thr83Ile)

Gene: RIT1 (Ras like without CAAX 1; minus strand). Cytogenetic location: 1q22.
Variant type: single nucleotide variant.
Coding change: c.248C>T on transcript NM_006912.6 (MANE Select); coding-DNA position 248, C replaced by T.
Protein change: p.Thr83Ile; replaces threonine 83 with isoleucine.
Molecular consequence: missense variant.
Genome position (GRCh38, 1-based): chr1:155,904,492, G>A on the plus strand (C>T on the coding strand, the complement: RIT1 is on the minus strand). VCF-style: chr1-155904492-G-A. GRCh37 (hg19) VCF-style: chr1-155874283-G-A.
Other names: c.140C>T, p.Thr47Ile (NM_001256820.2); c.299C>T, p.Thr100Ile (NM_001256821.2); short protein forms T47I, T100I, T83I.
Identifiers: ClinVar variation 4997022 (VCV004997022.1).
Genomic context (GRCh38, chr1:155,904,492, plus strand): 5'-GTGATAGAGTAACAGATGATAAACCCTTCTCCTGCCCTCATATACTGGTCCCGCATGGCT[G>A]TAAACTCTGCCTAGAGGGAAACAAGGGTCATTATGTATTGACGCAATCTAGCCCAACTAC-3'
Protein context (NP_008843.1, residues 73-93): ILDTAGQAEF[Thr83Ile]AMRDQYMRAG

ClinVar aggregate classification (germline): Likely pathogenic (1 of 4 stars; one submission).

Conditions:
RIT1-related disorder. Also called: RIT1-related condition.

gnomAD v4.1: 1 of 1,612,498 alleles (0.000062%); highest among the groups gnomAD compares: African/African-American, 0.0013%; no homozygotes.

Submission:

PreventionGenetics, part of Exact Sciences
Classification: Likely pathogenic for RIT1-related condition. Last evaluated: 2025-01-16. Review status: criteria provided, single submitter. Criteria: ACMG Guidelines, 2015. Collection method: clinical testing. Allele origin: germline.
Comment: The RIT1 c.299C>T variant is predicted to result in the amino acid substitution p.Thr100Ile. To our knowledge, this variant has not been reported in the literature or in a large population database (gnomAD), indicating this variant is rare. Of note, in the more commonly reported transcript (NM_006912), this variant is referred to as c.248C>T (p.Thr83Ile). An alternate missense change at the same amino acid position (p.Thr83Pro) has been reported in at least two individuals with Noonan syndrome (Aoki et al. 2013. PubMed ID: 23791108; Kouz et al. 2016. PubMed ID: 27101134), with de novo inheritance confirmed in Aoki et al. This variant is interpreted as likely pathogenic.